The following is an entry in ClinVar:

NM_031274.5(TEX13A):c.578C>A (p.Ala193Glu)

Genes: IL1RAPL2 (interleukin 1 receptor accessory protein like 2; plus strand), TEX13A (testis expressed 13A; minus strand). Cytogenetic location: Xq22.3.
Variant type: single nucleotide variant.
Coding change: c.578C>A on transcript NM_031274.5 (MANE Select); coding-DNA position 578, C replaced by A.
Protein change: p.Ala193Glu; replaces alanine 193 with glutamic acid.
Molecular consequence: missense variant. On other transcripts: intron variant (1).
Genome position (GRCh38, 1-based): chrX:105,219,616, G>T on the plus strand (C>A on the coding strand, the complement: TEX13A is on the minus strand). VCF-style: chrX-105219616-G-T. GRCh37 (hg19) VCF-style: chrX-104464300-G-T.
Other names: c.578C>A, p.Ala193Glu (NM_001291277.2); c.357-14202G>T (NM_017416.2); short protein forms A193E.
Identifiers: ClinVar variation 4865626 (VCV004865626.1).

ClinVar aggregate classification (germline): Uncertain significance (1 of 4 stars; one submission).

Submission:

Ambry Genetics
Classification: Uncertain significance. Last evaluated: 2026-03-17. Review status: criteria provided, single submitter. Criteria: Ambry Variant Classification Scheme 2023. Collection method: clinical testing. Allele origin: germline.
Comment: The c.578C>A (p.A193E) alteration is located in exon 3 (coding exon 2) of the TEX13A gene. This alteration results from a C to A substitution at nucleotide position 578, causing the alanine (A) at amino acid position 193 to be replaced by a glutamic acid (E). Based on data from gnomAD, the A allele has an overall frequency of 0.001% (2/165797) total alleles studied. The highest observed frequency was 0.005% (1/18502) of South Asian alleles. Based on insufficient or conflicting evidence, the clinical significance of this alteration remains unclear.